The following is an entry in ClinVar:

NM_001715.3(BLK):c.269+2T>A

Gene: BLK (BLK proto-oncogene, Src family tyrosine kinase). Cytogenetic location: 8p23.1.
Variant type: single nucleotide variant.
Coding change: c.269+2T>A on transcript NM_001715.3 (MANE Select); the canonical splice donor site of the intron after coding-DNA position 269, T replaced by A.
Molecular consequence: splice donor variant.
Genome position (GRCh38, 1-based): chr8:11,548,127, T>A. VCF-style: chr8-11548127-T-A. GRCh37 (hg19) VCF-style: chr8-11405636-T-A.
Other names: c.56+2T>A (NM_001330465.2).
Identifiers: ClinVar variation 1476238 (VCV001476238.6), dbSNP rs746294075, ClinGen allele CA4629776.

ClinVar aggregate classification (germline): Uncertain significance (1 of 4 stars; one submission).

Allele frequency attached by ClinVar (database versions not stated): ExAC 0.00001; gnomAD 0.00001; TOPMed 0.00001.
gnomAD v4.1: 27 of 1,611,486 alleles (0.0017%); highest among the groups gnomAD compares: Non-Finnish European, 0.0021%; no homozygotes.

Submission:

Labcorp Genetics (formerly Invitae), Labcorp
Classification: Uncertain significance. Last evaluated: 2024-03-13. Review status: criteria provided, single submitter. Criteria: Invitae Variant Classification Sherloc (09022015). Collection method: clinical testing. Allele origin: germline.
Comment: This sequence change affects a donor splice site in intron 4 of the BLK gene. It is expected to disrupt RNA splicing. Variants that disrupt the donor or acceptor splice site typically lead to a loss of protein function (PMID: 16199547), however the current clinical and genetic evidence is not sufficient to establish whether loss-of-function variants in BLK cause disease. This variant is present in population databases (rs746294075, gnomAD 0.007%). This variant has not been reported in the literature in individuals affected with BLK-related conditions. ClinVar contains an entry for this variant (Variation ID: 1476238). Algorithms developed to predict the effect of sequence changes on RNA splicing suggest that this variant may disrupt the consensus splice site. In summary, the available evidence is currently insufficient to determine the role of this variant in disease. Therefore, it has been classified as a Variant of Uncertain Significance.

Literature cited by the submitters: PubMed 16199547.